The following is an entry in ClinVar:

ClinVar aggregate classification (germline): Likely benign. Review status: criteria provided, single submitter (1 of 4 stars). 2 submissions from 2 submitters: Likely benign (1). 1 of the submissions does not count toward it. Last evaluated 2025-08-10.

Conditions:
DCHS1-related disorder. Also called: DCHS1-related condition.

Allele frequency attached by ClinVar (database versions not stated): ExAC 0.00002; gnomAD 0.00003; TOPMed 0.00003.
gnomAD v4.1: 17 of 1,611,886 alleles (0.0011%); highest among the groups gnomAD compares: African/African-American, 0.0094%; no homozygotes.

Submissions (2):

Labcorp Genetics (formerly Invitae), Labcorp
Classification: Likely benign. Last evaluated: 2025-08-10. Review status: criteria provided, single submitter. Criteria: Invitae Variant Classification Sherloc (09022015). Collection method: clinical testing. Allele origin: germline.

PreventionGenetics, part of Exact Sciences
Classification: Likely benign for DCHS1-related condition. Last evaluated: 2023-03-07. Review status: no assertion criteria provided. Collection method: clinical testing. Allele origin: germline. Not counted in ClinVar's aggregate classification.
Comment: This variant is classified as likely benign based on ACMG/AMP sequence variant interpretation guidelines (Richards et al. 2015 PMID: 25741868, with internal and published modifications).

NM_003737.4(DCHS1):c.9597C>T (p.Ile3199=)

Gene: DCHS1 (dachsous cadherin-related 1; minus strand). Cytogenetic location: 11p15.4.
Variant type: single nucleotide variant.
Coding change: c.9597C>T on transcript NM_003737.4 (MANE Select); coding-DNA position 9597, C replaced by T.
Protein change: p.Ile3199=; no amino-acid change (isoleucine 3199 retained).
Molecular consequence: synonymous variant.
Genome position (GRCh38, 1-based): chr11:6,622,079, G>A on the plus strand (C>T on the coding strand, the complement: DCHS1 is on the minus strand). VCF-style: chr11-6622079-G-A. GRCh37 (hg19) VCF-style: chr11-6643310-G-A.
Identifiers: ClinVar variation 3032627 (VCV003032627.3), dbSNP rs769187993, ClinGen allele CA5859217.